The following is an entry in ClinVar:

ClinVar aggregate classification (germline): Conflicting classifications of pathogenicity. Review status: criteria provided, conflicting classifications (1 of 4 stars). 4 submissions from 4 submitters: Uncertain significance (1); Likely benign (3). Last evaluated 2026-01-27.

Conditions:
B4GALT1-congenital disorder of glycosylation. Also called: CDG IId; CONGENITAL DISORDER OF GLYCOSYLATION, TYPE IId; B4GALT1-CDG. Identifiers: Orphanet 79332, MedGen C2931009, MONDO:0011772, OMIM 607091.

Allele frequency attached by ClinVar (database versions not stated): gnomAD exomes 0.00017 and 0.00028; ExAC 0.00066; ESP Exome Variant Server 0.00127; gnomAD 0.00161 and 0.00166; TOPMed 0.00188; 1000 Genomes Project 0.00220; 1000 Genomes Project 30x 0.00281.

Submissions (4):

Labcorp Genetics (formerly Invitae), Labcorp
Classification: Likely benign. Last evaluated: 2026-01-27. Review status: criteria provided, single submitter. Criteria: Invitae Variant Classification Sherloc (09022015). Collection method: clinical testing. Allele origin: germline.

Women's Health and Genetics/Laboratory Corporation of America, LabCorp
Classification: Uncertain significance. Last evaluated: 2023-06-07. Review status: criteria provided, single submitter. Criteria: LabCorp Variant Classification Summary - May 2015. Collection method: clinical testing. Allele origin: germline.
Comment: Variant summary: B4GALT1 c.259C>T (p.Pro87Ser) results in a non-conservative amino acid change in the encoded protein sequence. Four of five in-silico tools predict a benign effect of the variant on protein function. The variant allele was found at a frequency of 0.00028 in 186338 control chromosomes, with increased frequency in populations of African descent (0.0044 in 10762 control chromosomes). To our knowledge, no occurrence of c.259C>T in individuals affected with B4GALT1-CDG and no experimental evidence demonstrating its impact on protein function have been reported. Two clinical diagnostic laboratories have submitted clinical-significance assessments for this variant to ClinVar after 2014 without evidence for independent evaluation. Both laboratories classified the variant as likely benign. Based on the evidence outlined above, the variant was classified as uncertain significance.

Fulgent Genetics
Classification: Likely benign for B4GALT1-congenital disorder of glycosylation. Last evaluated: 2021-12-08. Review status: criteria provided, single submitter. Criteria: ACMG Guidelines, 2015. Collection method: clinical testing. Allele origin: unknown.

Breakthrough Genomics
Classification: Likely benign. Review status: criteria provided, single submitter. Criteria: ACMG Guidelines, 2015. Collection method: not provided. Allele origin: germline. Inheritance: Autosomal recessive inheritance. Affected: yes.

NM_001497.4(B4GALT1):c.259C>T (p.Pro87Ser)

Gene: B4GALT1 (beta-1,4-galactosyltransferase 1; minus strand). Cytogenetic location: 9p21.1.
Variant type: single nucleotide variant.
Coding change: c.259C>T on transcript NM_001497.4 (MANE Select); coding-DNA position 259, C replaced by T.
Protein change: p.Pro87Ser; replaces proline 87 with serine.
Molecular consequence: missense variant.
Genome position (GRCh38, 1-based): chr9:33,166,911, G>A on the plus strand (C>T on the coding strand, the complement: B4GALT1 is on the minus strand). VCF-style: chr9-33166911-G-A. GRCh37 (hg19) VCF-style: chr9-33166909-G-A.
Other names: c.220C>T, p.Pro74Ser (NM_001378495.1); c.259C>T, p.Pro87Ser (NM_001378496.1, NM_001378497.1); short protein forms P87S, P74S.
Identifiers: ClinVar variation 719722 (VCV000719722.11), dbSNP rs149181384, ClinGen allele CA5023815.